The following is an entry in ClinVar:

ClinVar aggregate classification (germline): Uncertain significance (1 of 4 stars; one submission).

Allele frequency attached by ClinVar (database versions not stated): ExAC 0.00001; gnomAD 0.00001; gnomAD exomes 0.00001; TOPMed 0.00001.
gnomAD v4.1: 12 of 1,613,294 alleles (0.00074%); highest among the groups gnomAD compares: East Asian, 0.0045%; no homozygotes.

Submission:

Labcorp Genetics (formerly Invitae), Labcorp
Classification: Uncertain significance. Last evaluated: 2025-09-16. Review status: criteria provided, single submitter. Criteria: Invitae Variant Classification Sherloc (09022015). Collection method: clinical testing. Allele origin: germline.
Comment: This sequence change replaces glycine, which is neutral and non-polar, with arginine, which is basic and polar, at codon 827 of the IFT88 protein (p.Gly827Arg). This variant is present in population databases (rs747493878, gnomAD 0.007%). This variant has not been reported in the literature in individuals affected with IFT88-related conditions. ClinVar contains an entry for this variant (Variation ID: 1905135). An algorithm developed to predict the effect of missense changes on protein structure and function (PolyPhen-2) suggests that this variant is likely to be disruptive. In summary, the available evidence is currently insufficient to determine the role of this variant in disease. Therefore, it has been classified as a Variant of Uncertain Significance.

NM_006531.5(IFT88):c.2452G>A (p.Gly818Arg)

Gene: IFT88 (intraflagellar transport 88; plus strand). Cytogenetic location: 13q12.11.
Variant type: single nucleotide variant.
Coding change: c.2452G>A on transcript NM_006531.5 (MANE Select); coding-DNA position 2452, G replaced by A.
Protein change: p.Gly818Arg; replaces glycine 818 with arginine.
Molecular consequence: missense variant. On other transcripts: 3 prime UTR variant (1), non-coding transcript variant (5).
Genome position (GRCh38, 1-based): chr13:20,691,152, G>A. VCF-style: chr13-20691152-G-A. GRCh37 (hg19) VCF-style: chr13-21265291-G-A.
Other names: c.2395G>A, p.Gly799Arg (NM_001318491.2); c.2479G>A, p.Gly827Arg (NM_001318493.2, NM_001353565.2, NM_001353566.2 and 2 more transcripts); c.2452G>A, p.Gly818Arg (NM_001353568.2); c.2377G>A, p.Gly793Arg (NM_001353569.2, NM_001353570.2); c.2350G>A, p.Gly784Arg (NM_001353571.2); c.2341G>A, p.Gly781Arg (NM_001353572.2); c.2308G>A, p.Gly770Arg (NM_001353573.2); c.2293G>A, p.Gly765Arg (NM_001353574.2); and 4 more; short protein forms G765R, G784R, G756R, G781R, G799R, G818R, G607R, G770R.
Identifiers: ClinVar variation 1905135 (VCV001905135.5), dbSNP rs747493878, ClinGen allele CA6905784.